The following is an entry in ClinVar:

NM_006790.3(MYOT):c.409G>A (p.Ala137Thr)

Genes: MYOT (myotilin; plus strand), PKD2L2-DT (PKD2L2 divergent transcript; minus strand). Cytogenetic location: 5q31.2.
Variant type: single nucleotide variant.
Coding change: c.409G>A on transcript NM_006790.3 (MANE Select); coding-DNA position 409, G replaced by A.
Protein change: p.Ala137Thr; replaces alanine 137 with threonine.
Molecular consequence: missense variant. On other transcripts: 5 prime UTR variant (1).
Genome position (GRCh38, 1-based): chr5:137,875,881, G>A. VCF-style: chr5-137875881-G-A. GRCh37 (hg19) VCF-style: chr5-137211570-G-A.
Other names: c.-144G>A (NM_001135940.2); c.64G>A, p.Ala22Thr (NM_001300911.2); short protein forms A137T, A22T.
Identifiers: ClinVar variation 2433987 (VCV002433987.6), dbSNP rs778201315, ClinGen allele CA3422912.

ClinVar aggregate classification (germline): Uncertain significance. Review status: criteria provided, multiple submitters, no conflicts (2 of 4 stars). 2 submissions from 2 submitters: Uncertain significance (2). Last evaluated 2023-06-03.

Conditions:
Myofibrillar myopathy 3 (MFM3). Also called: Muscular dystrophy, proximal, type 1A; Autosomal dominant spheroid body myopathy. Identifiers: Orphanet 266, Orphanet 268129, MedGen C3714934, MONDO:0012215, OMIM 609200.

Allele frequency attached by ClinVar (database versions not stated): gnomAD 0.00001; TOPMed 0.00001; ExAC 0.00003; gnomAD exomes 0.00004.
gnomAD v4.1: 64 of 1,613,856 alleles (0.004%); highest among the groups gnomAD compares: Non-Finnish European, 0.0054%; no homozygotes.

Submissions (2):

Labcorp Genetics (formerly Invitae), Labcorp
Classification: Uncertain significance for Myofibrillar myopathy 3. Last evaluated: 2023-06-03. Review status: criteria provided, single submitter. Criteria: Invitae Variant Classification Sherloc (09022015). Collection method: clinical testing. Allele origin: germline.
Comment: This sequence change replaces alanine, which is neutral and non-polar, with threonine, which is neutral and polar, at codon 137 of the MYOT protein (p.Ala137Thr). This variant is present in population databases (rs778201315, gnomAD 0.004%). This variant has not been reported in the literature in individuals affected with MYOT-related conditions. ClinVar contains an entry for this variant (Variation ID: 2433987). Algorithms developed to predict the effect of missense changes on protein structure and function output the following: SIFT: "Not Available"; PolyPhen-2: "Benign"; Align-GVGD: "Not Available". The threonine amino acid residue is found in multiple mammalian species, which suggests that this missense change does not adversely affect protein function. In summary, the available evidence is currently insufficient to determine the role of this variant in disease. Therefore, it has been classified as a Variant of Uncertain Significance.

Revvity Omics, Revvity
Classification: Uncertain significance for Myofibrillar myopathy 3. Last evaluated: 2019-02-06. Review status: criteria provided, single submitter. Criteria: ACMG Guidelines, 2015. Collection method: clinical testing. Allele origin: germline.